The following is an entry in ClinVar:

NM_182914.3(SYNE2):c.6879+5T>C

Gene: SYNE2 (spectrin repeat containing nuclear envelope protein 2; plus strand). Cytogenetic location: 14q23.2.
Variant type: single nucleotide variant.
Coding change: c.6879+5T>C on transcript NM_182914.3 (MANE Select); 5 bases into the intron after coding-DNA position 6879, T replaced by C.
Molecular consequence: intron variant.
Genome position (GRCh38, 1-based): chr14:64,030,064, T>C. VCF-style: chr14-64030064-T-C. GRCh37 (hg19) VCF-style: chr14-64496782-T-C.
Other names: c.6879+5T>C (NM_015180.6).
Identifiers: ClinVar variation 2080536 (VCV002080536.4), dbSNP rs192891937, ClinGen allele CA7220793.

ClinVar aggregate classification (germline): Uncertain significance (1 of 4 stars; one submission).

Conditions:
Emery-Dreifuss muscular dystrophy 5, autosomal dominant (EDMD5). Also called: EMERY-DREIFUSS MUSCULAR DYSTROPHY 5. Identifiers: Orphanet 261, MedGen C2751805, MONDO:0013072, OMIM 612999.

Allele frequency attached by ClinVar (database versions not stated): gnomAD 0.00001; gnomAD exomes 0.00001; TOPMed 0.00001; ExAC 0.00002; 1000 Genomes Project 30x 0.00016; 1000 Genomes Project 0.00020.
gnomAD v4.1: 8 of 1,613,768 alleles (0.0005%); highest among the groups gnomAD compares: Admixed American, 0.013%; no homozygotes.

Submission:

Labcorp Genetics (formerly Invitae), Labcorp
Classification: Uncertain significance for Emery-Dreifuss muscular dystrophy 5, autosomal dominant. Last evaluated: 2024-03-19. Review status: criteria provided, single submitter. Criteria: Invitae Variant Classification Sherloc (09022015). Collection method: clinical testing. Allele origin: germline.
Comment: This sequence change falls in intron 44 of the SYNE2 gene. It does not directly change the encoded amino acid sequence of the SYNE2 protein. It affects a nucleotide within the consensus splice site. This variant is present in population databases (rs192891937, gnomAD 0.02%). This variant has not been reported in the literature in individuals affected with SYNE2-related conditions. ClinVar contains an entry for this variant (Variation ID: 2080536). Variants that disrupt the consensus splice site are a relatively common cause of aberrant splicing (PMID: 17576681, 9536098). Algorithms developed to predict the effect of sequence changes on RNA splicing suggest that this variant is not likely to affect RNA splicing. In summary, the available evidence is currently insufficient to determine the role of this variant in disease. Therefore, it has been classified as a Variant of Uncertain Significance.

Literature cited by the submitters: PubMed 17576681; PubMed 9536098.